The following is an entry in ClinVar:

NR_033294.2(SNORD118):n.127C>G

Genes: SNORD118 (small nucleolar RNA, C/D box 118; minus strand), TMEM107 (transmembrane protein 107; minus strand). Cytogenetic location: 17p13.1.
Variant type: single nucleotide variant.
Molecular consequence: 3 prime UTR variant (on NM_183065.4). On other transcripts: non-coding transcript variant (2).
Genome position: GRCh38 VCF-style: chr17-8173462-G-C. GRCh37 (hg19) VCF-style: chr17-8076780-G-C.
Other names: c.*741C>G (NM_001351278.2, NM_001351279.2, NM_001351280.2 and 2 more transcripts).
Identifiers: ClinVar variation 929268 (VCV000929268.2), dbSNP rs374135155, ClinGen allele CA8370579.

ClinVar aggregate classification (germline): Uncertain significance. Review status: criteria provided, single submitter (1 of 4 stars). 2 submissions from 2 submitters: Uncertain significance (1). 1 of the submissions does not count toward it. Last evaluated 2024-01-11.

Conditions:
Leukoencephalopathy with calcifications and cysts. Also called: LABRUNE SYNDROME; Leukoencephalopathy, brain calcifications, and cysts. Identifiers: Orphanet 542310, MedGen C3281200, MONDO:0013803, OMIM 614561.

Allele frequency attached by ClinVar (database versions not stated): TOPMed 0.00006.
gnomAD v4.1: 28 of 763,996 alleles (0.0037%); highest among the groups gnomAD compares: Middle Eastern, 0.026%; no homozygotes.

Submissions (2):

GeneDx
Classification: Uncertain significance. Last evaluated: 2024-01-11. Review status: criteria provided, single submitter. Criteria: GeneDx Variant Classification Process June 2021. Collection method: clinical testing. Allele origin: germline. Affected: yes.
Comment: Located in a stem of the snoRNA U8 non-coding RNA; Changes the Watson-Crick match to a mismatch at a position where a Watson-Crick match is moderately conserved across species, which is predicted to affect the secondary structure/function; This variant is associated with the following publications: (PMID: 33029936, 27571260)

Laboratory of Neurogenetics and Neuroinflammation, Institut Imagine
Classification: Pathogenic for Leukoencephalopathy, brain calcifications, and cysts. Last evaluated: 2020-04-06. Review status: no assertion criteria provided. Collection method: clinical testing. Allele origin: germline. Affected: yes. Observed: 2 variant alleles. Not counted in ClinVar's aggregate classification.